The following is an entry in ClinVar:

ClinVar aggregate classification (germline): Benign/Likely benign. Review status: criteria provided, multiple submitters, no conflicts (2 of 4 stars). 3 submissions from 3 submitters: Benign (1); Likely benign (1). 1 of the submissions does not count toward it. Last evaluated 2026-02-01.

Conditions:
Mucopolysaccharidosis, MPS-III-D (MPS3D). Also called: MUCOPOLYSACCHARIDOSIS, TYPE IIID; N-ACETYLGLUCOSAMINE-6-SULFATASE DEFICIENCY; SANFILIPPO SYNDROME D; MPS III D; Mucopoly-saccharidosis type 3D; N-acetylglucosamine-6-sulfate sulfatase deficiency. Identifiers: Orphanet 581, Orphanet 79272, MedGen C0086650, MONDO:0009658, OMIM 252940.
GNS-related disorder. Also called: GNS-related condition.

Allele frequency attached by ClinVar (database versions not stated): gnomAD 0.00008 and 0.00009; ESP Exome Variant Server 0.00008; ExAC 0.00021; gnomAD exomes 0.00015; TOPMed 0.00009.

Submissions (3):

Labcorp Genetics (formerly Invitae), Labcorp
Classification: Benign for Mucopolysaccharidosis, MPS-III-D. Last evaluated: 2026-02-01. Review status: criteria provided, single submitter. Criteria: Invitae Variant Classification Sherloc (09022015). Collection method: clinical testing. Allele origin: germline.

Blueprint Genetics
Classification: Likely benign. Last evaluated: 2024-11-19. Review status: criteria provided, single submitter. Criteria: ACMG Guidelines, 2015. Collection method: clinical testing. Allele origin: germline.

PreventionGenetics, part of Exact Sciences
Classification: Likely benign for GNS-related condition. Last evaluated: 2019-04-09. Review status: no assertion criteria provided. Collection method: clinical testing. Allele origin: germline. Not counted in ClinVar's aggregate classification.
Comment: This variant is classified as likely benign based on ACMG/AMP sequence variant interpretation guidelines (Richards et al. 2015 PMID: 25741868, with internal and published modifications).

NM_002076.4(GNS):c.193-9C>T

Gene: GNS (glucosamine (N-acetyl)-6-sulfatase; minus strand). Cytogenetic location: 12q14.3.
Variant type: single nucleotide variant.
Coding change: c.193-9C>T on transcript NM_002076.4 (MANE Select); 9 bases into the intron before coding-DNA position 193, C replaced by T.
Molecular consequence: intron variant.
Genome position (GRCh38, 1-based): chr12:64,752,766, G>A on the plus strand (C>T on the coding strand, the complement: GNS is on the minus strand). VCF-style: chr12-64752766-G-A. GRCh37 (hg19) VCF-style: chr12-65146546-G-A.
Identifiers: ClinVar variation 753629 (VCV000753629.13), dbSNP rs372633889, ClinGen allele CA6670015.